The following is an entry in ClinVar:

ClinVar aggregate classification (germline): Uncertain significance (1 of 4 stars; one submission).

Conditions:
Hereditary cancer-predisposing syndrome. Also called: Tumor predisposition; Neoplastic Syndromes, Hereditary; Hereditary Cancer Syndrome; Hereditary neoplastic syndrome. Identifiers: Orphanet 140162, MedGen C0027672, MeSH D009386, MONDO:0015356.

gnomAD v4.1: 1 of 1,613,184 alleles (0.000062%); highest among the groups gnomAD compares: Middle Eastern, 0.017%; no homozygotes.

Submission:

Ambry Genetics
Classification: Uncertain significance for Hereditary cancer-predisposing syndrome. Last evaluated: 2024-09-01. Review status: criteria provided, single submitter. Criteria: Ambry Variant Classification Scheme 2023. Collection method: clinical testing. Allele origin: germline.
Comment: The p.E238A variant (also known as c.713A>C), located in coding exon 8 of the BRCA2 gene, results from an A to C substitution at nucleotide position 713. The glutamic acid at codon 238 is replaced by alanine, an amino acid with dissimilar properties. This amino acid position is conserved. In addition, this alteration is predicted to be tolerated by in silico analysis. Based on the available evidence, the clinical significance of this variant remains unclear.

NM_000059.4(BRCA2):c.713A>C (p.Glu238Ala)

Gene: BRCA2 (BRCA2 DNA repair associated; plus strand). Cytogenetic location: 13q13.1.
Variant type: single nucleotide variant.
Coding change: c.713A>C on transcript NM_000059.4 (MANE Select); coding-DNA position 713, A replaced by C.
Protein change: p.Glu238Ala; replaces glutamic acid 238 with alanine.
Molecular consequence: missense variant. On other transcripts: non-coding transcript variant (1).
Genome position (GRCh38, 1-based): chr13:32,330,950, A>C. VCF-style: chr13-32330950-A-C. GRCh37 (hg19) VCF-style: chr13-32905087-A-C.
Other names: c.713A>C, p.Glu238Ala (NM_001406719.1, NM_001406720.1, NM_001406721.1 and 1 more transcripts); c.344A>C, p.Glu115Ala (NM_001406722.1); short protein forms E115A, E238A.
Identifiers: ClinVar variation 3482073 (VCV003482073.1).